The following is an entry in ClinVar:

NM_006420.3(ARFGEF2):c.845A>T (p.Asp282Val)

Gene: ARFGEF2 (ARF guanine nucleotide exchange factor 2; plus strand). Cytogenetic location: 20q13.13.
Variant type: single nucleotide variant.
Coding change: c.845A>T on transcript NM_006420.3 (MANE Select); coding-DNA position 845, A replaced by T.
Protein change: p.Asp282Val; replaces aspartic acid 282 with valine.
Molecular consequence: missense variant.
Genome position (GRCh38, 1-based): chr20:48,963,836, A>T. VCF-style: chr20-48963836-A-T. GRCh37 (hg19) VCF-style: chr20-47580373-A-T.
Other names: c.845A>T, p.Asp282Val (NM_001410846.1); short protein forms D282V.
Identifiers: ClinVar variation 2000817 (VCV002000817.4), dbSNP rs2516065261, ClinGen allele CA409323182.

ClinVar aggregate classification (germline): Uncertain significance (1 of 4 stars; one submission).

gnomAD v4.1: 1 of 1,614,044 alleles (0.000062%); highest among the groups gnomAD compares: Non-Finnish European, 0.000085%; no homozygotes.

Submission:

Labcorp Genetics (formerly Invitae), Labcorp
Classification: Uncertain significance. Last evaluated: 2022-05-29. Review status: criteria provided, single submitter. Criteria: Invitae Variant Classification Sherloc (09022015). Collection method: clinical testing. Allele origin: germline.
Comment: In summary, the available evidence is currently insufficient to determine the role of this variant in disease. Therefore, it has been classified as a Variant of Uncertain Significance. Algorithms developed to predict the effect of missense changes on protein structure and function (SIFT, PolyPhen-2, Align-GVGD) all suggest that this variant is likely to be tolerated. This sequence change replaces aspartic acid, which is acidic and polar, with valine, which is neutral and non-polar, at codon 282 of the ARFGEF2 protein (p.Asp282Val). This variant is not present in population databases (gnomAD no frequency). This variant has not been reported in the literature in individuals affected with ARFGEF2-related conditions.